The following is an entry in ClinVar:

ClinVar aggregate classification (germline): Benign. Review status: criteria provided, multiple submitters, no conflicts (2 of 4 stars). 3 submissions from 3 submitters: Benign (3). Last evaluated 2023-11-12.

Allele frequency attached by ClinVar (database versions not stated): ESP Exome Variant Server 0.57315; gnomAD 0.60043 and 0.60877; TOPMed 0.60323; 1000 Genomes Project 30x 0.62430; 1000 Genomes Project 0.63339; gnomAD exomes 0.66269.
gnomAD v4.1: 949,662 of 1,445,182 alleles (66%); highest among the groups gnomAD compares: South Asian, 74%; 314,940 homozygotes.

Submissions (3):

Unidad de Genómica Garrahan, Hospital de Pediatría Garrahan
Classification: Benign. Last evaluated: 2023-11-12. Review status: criteria provided, single submitter. Criteria: ACMG Guidelines, 2015. Collection method: clinical testing. Allele origin: germline. Affected: no. Observed: 82 variant alleles.
Comment: This variant is classified as Benign based on local population frequency. This variant was detected in 85% of patients studied by a panel of primary immunodeficiencies. Number of patients: 82. Only high quality variants are reported.

GeneDx
Classification: Benign. Last evaluated: 2018-06-23. Review status: criteria provided, single submitter. Criteria: GeneDx Variant Classification Process June 2021. Collection method: clinical testing. Allele origin: germline. Affected: yes.

Breakthrough Genomics
Classification: Benign. Review status: criteria provided, single submitter. Criteria: ACMG Guidelines, 2015. Collection method: not provided. Allele origin: germline. Inheritance: Autosomal recessive inheritance. Affected: yes.

NM_000733.4(CD3E):c.86-67G>A

Gene: CD3E (CD3 epsilon subunit of T-cell receptor complex; plus strand). Cytogenetic location: 11q23.3.
Variant type: single nucleotide variant.
Coding change: c.86-67G>A on transcript NM_000733.4 (MANE Select); 67 bases into the intron before coding-DNA position 86, G replaced by A.
Molecular consequence: intron variant.
Genome position (GRCh38, 1-based): chr11:118,312,086, G>A. VCF-style: chr11-118312086-G-A. GRCh37 (hg19) VCF-style: chr11-118182801-G-A.
Identifiers: ClinVar variation 1257079 (VCV001257079.5), dbSNP rs1945764, ClinGen allele CA13574701.
Genomic context (GRCh38, chr11:118,312,086, plus strand): 5'-CTAAATGGATGAGACCCTCTTTGGGAAGTCTTGTGGGCAGTGTCTAATTCCACTAGAAAA[G>A]TTTTACCTACAATTTAAACTTAAACCATGATATTTTCTTACTGCTGTTTCCTTTTTTCAT-3'